The following is an entry in ClinVar:

NM_000404.4(GLB1):c.443G>T (p.Arg148Leu)

Gene: GLB1 (galactosidase beta 1; minus strand). Cytogenetic location: 3p22.3.
Variant type: single nucleotide variant.
Coding change: c.443G>T on transcript NM_000404.4 (MANE Select); coding-DNA position 443, G replaced by T.
Protein change: p.Arg148Leu; replaces arginine 148 with leucine.
Molecular consequence: missense variant. On other transcripts: intron variant (1).
Genome position (GRCh38, 1-based): chr3:33,068,244, C>A on the plus strand (G>T on the coding strand, the complement: GLB1 is on the minus strand). VCF-style: chr3-33068244-C-A. GRCh37 (hg19) VCF-style: chr3-33109736-C-A.
Other names: c.353G>T, p.Arg118Leu (NM_001079811.3); c.587G>T, p.Arg196Leu (NM_001317040.2); c.443G>T, p.Arg148Leu (NM_001393580.1); c.246-2687G>T (NM_001135602.3); short protein forms R148L, R196L, R118L.
Identifiers: ClinVar variation 2935679 (VCV002935679.5), dbSNP rs745864233, ClinGen allele CA351994053.

ClinVar aggregate classification (germline): Likely pathogenic. Review status: criteria provided, multiple submitters, no conflicts (2 of 4 stars). 2 submissions from 2 submitters: Likely pathogenic (2). Last evaluated 2025-07-25.

Conditions:
Mucopolysaccharidosis, MPS-IV-B (MPS4B). Also called: Mucopolysaccharidosis type 4B; Mucopolysaccharidosis type IVB (Morquio); MPS IVB; MORQUIO SYNDROME B; Mucopolysaccharidosis type IV B; Mucopolysaccharidosis Type IVB. Identifiers: Orphanet 309310, Orphanet 582, MedGen C0086652, MONDO:0009660, OMIM 253010.
GM1 gangliosidosis. Identifiers: Orphanet 354, MedGen C0085131, MONDO:0018149.

Submissions (2):

Women's Health and Genetics/Laboratory Corporation of America, LabCorp
Classification: Likely pathogenic for Mucopolysaccharidosis, MPS-IV-B. Last evaluated: 2025-07-25. Review status: criteria provided, single submitter. Criteria: LabCorp Variant Classification Summary - May 2015. Collection method: clinical testing. Allele origin: germline.
Comment: Variant summary: GLB1 c.443G>T (p.Arg148Leu) results in a non-conservative amino acid change located in the Glycoside hydrolase 35, catalytic domain (IPR031330) of the encoded protein sequence. Algorithms developed to predict the effect of missense changes on protein structure and function all suggest that this variant is likely to be disruptive. The variant was absent in 249244 control chromosomes. To our knowledge, no occurrence of c.443G>T in individuals affected with Mucopolysaccharidosis Type IVB (Morquio Syndrome B) and no experimental evidence demonstrating its impact on protein function have been reported. Different variants affecting the same codon have been classified as pathogenic by our lab (c.442C>A, p.Arg148Ser; c.442C>T, p.Arg148Cys), supporting the critical relevance of codon 148 to GLB1 protein function. ClinVar contains an entry for this variant (Variation ID: 2935679). Based on the evidence outlined above, the variant was classified as likely pathogenic.

Labcorp Genetics (formerly Invitae), Labcorp
Classification: Likely pathogenic for Mucopolysaccharidosis, MPS-IV-B; GM1 gangliosidosis. Last evaluated: 2022-11-29. Review status: criteria provided, single submitter. Criteria: Invitae Variant Classification Sherloc (09022015). Collection method: clinical testing. Allele origin: germline.
Comment: In summary, the currently available evidence indicates that the variant is pathogenic, but additional data are needed to prove that conclusively. Therefore, this variant has been classified as Likely Pathogenic. This variant disrupts the p.Arg148 amino acid residue in GLB1. Other variant(s) that disrupt this residue have been determined to be pathogenic (PMID: 10839995, 15986423, 20175788, 21497194, 23151865, 25600812, 33240792). This suggests that this residue is clinically significant, and that variants that disrupt this residue are likely to be disease-causing. Advanced modeling of protein sequence and biophysical properties (such as structural, functional, and spatial information, amino acid conservation, physicochemical variation, residue mobility, and thermodynamic stability) performed at Invitae indicates that this missense variant is expected to disrupt GLB1 protein function. This variant has not been reported in the literature in individuals affected with GLB1-related conditions. This variant is not present in population databases (gnomAD no frequency). This sequence change replaces arginine, which is basic and polar, with leucine, which is neutral and non-polar, at codon 148 of the GLB1 protein (p.Arg148Leu).

Literature cited by the submitters: PubMed 10839995 (cited by Labcorp Genetics (formerly Invitae), Labcorp); PubMed 15986423 (cited by Labcorp Genetics (formerly Invitae), Labcorp); PubMed 20175788 (cited by Labcorp Genetics (formerly Invitae), Labcorp); PubMed 21497194 (cited by Labcorp Genetics (formerly Invitae), Labcorp); PubMed 23151865 (cited by Labcorp Genetics (formerly Invitae), Labcorp); PubMed 25600812 (cited by Labcorp Genetics (formerly Invitae), Labcorp); PubMed 33240792 (cited by Labcorp Genetics (formerly Invitae), Labcorp).